The following is an entry in ClinVar:

NM_006947.4(SRP72):c.466G>C (p.Ala156Pro)

Gene: SRP72 (signal recognition particle 72; plus strand). Cytogenetic location: 4q12.
Variant type: single nucleotide variant.
Coding change: c.466G>C on transcript NM_006947.4 (MANE Select); coding-DNA position 466, G replaced by C.
Protein change: p.Ala156Pro; replaces alanine 156 with proline.
Molecular consequence: missense variant. On other transcripts: non-coding transcript variant (1).
Genome position (GRCh38, 1-based): chr4:56,474,165, G>C. VCF-style: chr4-56474165-G-C. GRCh37 (hg19) VCF-style: chr4-57340331-G-C.
Other names: c.466G>C, p.Ala156Pro (NM_001267722.2); short protein forms A156P.
Identifiers: ClinVar variation 4174917 (VCV004174917.1).

ClinVar aggregate classification (germline): Uncertain significance (1 of 4 stars; one submission).

Submission:

Ambry Genetics
Classification: Uncertain significance. Last evaluated: 2025-07-03. Review status: criteria provided, single submitter. Criteria: Ambry Variant Classification Scheme 2023. Collection method: clinical testing. Allele origin: germline.
Comment: The p.A156P variant (also known as c.466G>C), located in coding exon 4 of the SRP72 gene, results from a G to C substitution at nucleotide position 466. The alanine at codon 156 is replaced by proline, an amino acid with highly similar properties. This amino acid position is conserved. In addition, the in silico prediction for this alteration is inconclusive. Based on the available evidence, the clinical significance of this variant remains unclear.